The following is an entry in ClinVar:

ClinVar aggregate classification (germline): Uncertain significance (1 of 4 stars; one submission).

Allele frequency attached by ClinVar (database versions not stated): ExAC 0.00001; TOPMed 0.00001.
gnomAD v4.1: 46 of 1,614,044 alleles (0.0028%); highest among the groups gnomAD compares: Non-Finnish European, 0.0039%; no homozygotes.

Submission:

Labcorp Genetics (formerly Invitae), Labcorp
Classification: Uncertain significance. Last evaluated: 2022-08-15. Review status: criteria provided, single submitter. Criteria: Invitae Variant Classification Sherloc (09022015). Collection method: clinical testing. Allele origin: germline.
Comment: In summary, the available evidence is currently insufficient to determine the role of this variant in disease. Therefore, it has been classified as a Variant of Uncertain Significance. This sequence change replaces tyrosine, which is neutral and polar, with aspartic acid, which is acidic and polar, at codon 831 of the MBTPS1 protein (p.Tyr831Asp). This variant is present in population databases (rs747506713, gnomAD 0.002%). This variant has not been reported in the literature in individuals affected with MBTPS1-related conditions. Algorithms developed to predict the effect of missense changes on protein structure and function are either unavailable or do not agree on the potential impact of this missense change (SIFT: "Deleterious"; PolyPhen-2: "Benign"; Align-GVGD: "Class C0").

NM_003791.4(MBTPS1):c.2491T>G (p.Tyr831Asp)

Gene: MBTPS1 (membrane bound transcription factor peptidase, site 1; minus strand). Cytogenetic location: 16q23.3.
Variant type: single nucleotide variant.
Coding change: c.2491T>G on transcript NM_003791.4 (MANE Select); coding-DNA position 2491, T replaced by G.
Protein change: p.Tyr831Asp; replaces tyrosine 831 with aspartic acid.
Molecular consequence: missense variant.
Genome position (GRCh38, 1-based): chr16:84,063,386, A>C on the plus strand (T>G on the coding strand, the complement: MBTPS1 is on the minus strand). VCF-style: chr16-84063386-A-C. GRCh37 (hg19) VCF-style: chr16-84096991-A-C.
Other names: short protein forms Y831D.
Identifiers: ClinVar variation 2177664 (VCV002177664.4), dbSNP rs747506713, ClinGen allele CA8200870.